The following is an entry in ClinVar:

ClinVar aggregate classification (germline): Likely benign. Review status: criteria provided, multiple submitters, no conflicts (2 of 4 stars). 3 submissions from 3 submitters: Likely benign (2). 1 of the submissions does not count toward it. Last evaluated 2026-01-06.

Conditions:
Inborn genetic diseases. Identifiers: MedGen C0950123, MeSH D030342.
SAMD9L-related disorder. Also called: SAMD9L-related condition; SAMD9L-related disorders.

Allele frequency attached by ClinVar (database versions not stated): ExAC 0.00009; gnomAD exomes 0.00009; ESP Exome Variant Server 0.00054; gnomAD 0.00058 and 0.00063; 1000 Genomes Project 0.00060; TOPMed 0.00066; 1000 Genomes Project 30x 0.00078.

Submissions (3):

Labcorp Genetics (formerly Invitae), Labcorp
Classification: Likely benign. Last evaluated: 2026-01-06. Review status: criteria provided, single submitter. Criteria: Invitae Variant Classification Sherloc (09022015). Collection method: clinical testing. Allele origin: germline.

Ambry Genetics
Classification: Likely benign for Inborn genetic diseases. Last evaluated: 2024-11-25. Review status: criteria provided, single submitter. Criteria: Ambry Variant Classification Scheme 2023. Collection method: clinical testing. Allele origin: germline.

PreventionGenetics, part of Exact Sciences
Classification: Likely benign for SAMD9L-related condition. Last evaluated: 2022-02-03. Review status: no assertion criteria provided. Collection method: clinical testing. Allele origin: germline. Not counted in ClinVar's aggregate classification.
Comment: This variant is classified as likely benign based on ACMG/AMP sequence variant interpretation guidelines (Richards et al. 2015 PMID: 25741868, with internal and published modifications).

NM_152703.5(SAMD9L):c.1147G>A (p.Glu383Lys)

Gene: SAMD9L (sterile alpha motif domain containing 9 like; minus strand). Cytogenetic location: 7q21.2.
Variant type: single nucleotide variant.
Coding change: c.1147G>A on transcript NM_152703.5 (MANE Select); coding-DNA position 1147, G replaced by A.
Protein change: p.Glu383Lys; replaces glutamic acid 383 with lysine.
Molecular consequence: missense variant.
Genome position (GRCh38, 1-based): chr7:93,134,825, C>T on the plus strand (G>A on the coding strand, the complement: SAMD9L is on the minus strand). VCF-style: chr7-93134825-C-T. GRCh37 (hg19) VCF-style: chr7-92764138-C-T.
Other names: c.1147G>A (NM_152703.2, NM_152703.3); c.1147G>A, p.Glu383Lys (NM_001303496.3, NM_001303497.3, NM_001303498.3 and 5 more transcripts); short protein forms E383K.
Identifiers: ClinVar variation 1669284 (VCV001669284.12), dbSNP rs147739676, ClinGen allele CA4343763.